The following is an entry in ClinVar:

ClinVar aggregate classification (germline): Uncertain significance (1 of 4 stars; one submission).

Allele frequency attached by ClinVar (database versions not stated): gnomAD exomes below 0.00001 and 0.00001; ExAC 0.00002; TOPMed 0.00002; gnomAD 0.00005.
gnomAD v4.1: 16 of 1,614,028 alleles (0.00099%); highest among the groups gnomAD compares: African/African-American, 0.0093%; no homozygotes.

Submissions (2):

GeneDx
Classification: Uncertain significance. Last evaluated: 2022-01-03. Review status: criteria provided, single submitter. Criteria: GeneDx Variant Classification Process June 2021. Collection method: clinical testing. Allele origin: germline. Affected: yes.
Comment: Not observed at significant frequency in large population cohorts (gnomAD); In silico analysis supports that this missense variant does not alter protein structure/function; Has not been previously published as pathogenic or benign to our knowledge

Dr. Peter K. Rogan Lab, Western University
No classification provided (evidence only). Condition: Sarcoma. Review status: no classification provided. Collection method: in vitro. Allele origin: not applicable. Functional consequence: retained intron. Not counted in ClinVar's aggregate classification.

NM_001160372.4(TRAPPC9):c.1658G>A (p.Arg553Gln)

Gene: TRAPPC9 (trafficking protein particle complex subunit 9; minus strand). Cytogenetic location: 8q24.3.
Variant type: single nucleotide variant.
Coding change: c.1658G>A on transcript NM_001160372.4 (MANE Select); coding-DNA position 1658, G replaced by A.
Protein change: p.Arg553Gln; replaces arginine 553 with glutamine.
Molecular consequence: missense variant. On other transcripts: non-coding transcript variant (1).
Genome position (GRCh38, 1-based): chr8:140,300,579, C>T on the plus strand (G>A on the coding strand, the complement: TRAPPC9 is on the minus strand). VCF-style: chr8-140300579-C-T. GRCh37 (hg19) VCF-style: chr8-141310678-C-T.
Other names: NC_000008.10:g.141310678C>T; c.1679G>A, p.Arg560Gln (NM_001374682.1); c.1658G>A, p.Arg553Gln (NM_001374683.1, NM_031466.8); c.1514G>A, p.Arg505Gln (NM_001374684.1); c.1631G>A, p.Arg544Gln (NM_001321646.2); short protein forms R505Q, R544Q, R553Q, R560Q.
Identifiers: ClinVar variation 1693443 (VCV001693443.3), dbSNP rs745348155, ClinGen allele CA4893367.
Genomic context (GRCh38, chr8:140,300,579, plus strand): 5'-TAGATGAAAGGACTTTTGGTTGACACGTTCTGACCCAGCAAGCTTTTCATTTTGTGTGGC[C>T]GGAGGCTAGCAGGAAGGTTCAATAGTTTCACATGCCTGTTGTTTCAAACAGAACACAAAT-3'
Protein context (NP_001153844.1, residues 543-563): VKLLNLPASL[Arg553Gln]PHKMKSLLGQ